The following is an entry in ClinVar:

NM_024782.3(NHEJ1):c.326G>A (p.Arg109Gln)

Gene: NHEJ1 (non-homologous end joining factor 1; minus strand). Cytogenetic location: 2q35.
Variant type: single nucleotide variant.
Coding change: c.326G>A on transcript NM_024782.3 (MANE Select); coding-DNA position 326, G replaced by A.
Protein change: p.Arg109Gln; replaces arginine 109 with glutamine.
Molecular consequence: missense variant. On other transcripts: non-coding transcript variant (1).
Genome position (GRCh38, 1-based): chr2:219,157,536, C>T on the plus strand (G>A on the coding strand, the complement: NHEJ1 is on the minus strand). VCF-style: chr2-219157536-C-T. GRCh37 (hg19) VCF-style: chr2-220022258-C-T.
Other names: c.326G>A, p.Arg109Gln (NM_001377498.1, NM_001377499.1); short protein forms R109Q.
Identifiers: ClinVar variation 1036162 (VCV001036162.8), dbSNP rs777365329, ClinGen allele CA2117030.
Genomic context (GRCh38, chr2:219,157,536, plus strand): 5'-GAAGGACTAGCTAGCATGCAGTGGAAATTCCAATAGAAGGGGAGGCCAGAGAGCTCACTT[C>T]GCACCCGTAGAATCAGTGCATCTGCCACACAATCACAGGAGAAGGTAGCTTCGCTAGGGT-3'
Protein context (NP_079058.1, residues 99-119): CVADALILRV[Arg109Gln]SELSGLPFYW

ClinVar aggregate classification (germline): Uncertain significance (1 of 4 stars; one submission).

Conditions:
Cernunnos-XLF deficiency (IMD124). Also called: NHEJ1 SYNDROME; Severe combined immunodeficiency with sensitivity to ionizing radiation due to NHEJ1 deficiency; SCID, autosomal recessive, T cell-negative, B cell-negative, NK cell-positive, and sensitivity to ionizing radiation due to NHEJ1 deficiency; IMMUNODEFICIENCY 124, SEVERE COMBINED; SCID, AUTOSOMAL RECESSIVE, T CELL-NEGATIVE, B CELL-NEGATIVE, NK CELL-POSITIVE, WITH MICROCEPHALY, GROWTH RETARDATION, AND SENSITIVITY TO IONIZING RADIATION. Identifiers: Orphanet 169079, MedGen C1969799, MONDO:0012650, OMIM 611291.

Allele frequency attached by ClinVar (database versions not stated): gnomAD exomes below 0.00001; ExAC 0.00001; gnomAD 0.00002; TOPMed 0.00002.
gnomAD v4.1: 21 of 1,614,062 alleles (0.0013%); highest among the groups gnomAD compares: African/African-American, 0.004%; no homozygotes.

Submission:

Labcorp Genetics (formerly Invitae), Labcorp
Classification: Uncertain significance for Cernunnos-XLF deficiency. Last evaluated: 2024-05-12. Review status: criteria provided, single submitter. Criteria: Invitae Variant Classification Sherloc (09022015). Collection method: clinical testing. Allele origin: germline.
Comment: This sequence change replaces arginine, which is basic and polar, with glutamine, which is neutral and polar, at codon 109 of the NHEJ1 protein (p.Arg109Gln). This variant is present in population databases (rs777365329, gnomAD 0.004%). This variant has not been reported in the literature in individuals affected with NHEJ1-related conditions. ClinVar contains an entry for this variant (Variation ID: 1036162). Advanced modeling of protein sequence and biophysical properties (such as structural, functional, and spatial information, amino acid conservation, physicochemical variation, residue mobility, and thermodynamic stability) performed at Invitae indicates that this missense variant is not expected to disrupt NHEJ1 protein function with a negative predictive value of 80%. In summary, the available evidence is currently insufficient to determine the role of this variant in disease. Therefore, it has been classified as a Variant of Uncertain Significance.